The following is an entry in ClinVar:

ClinVar aggregate classification (germline): Conflicting classifications of pathogenicity. Review status: criteria provided, conflicting classifications (1 of 4 stars). 4 submissions from 4 submitters: Uncertain significance (1); Likely benign (2). 1 of the submissions does not count toward it. Last evaluated 2025-12-15.

Conditions:
Cardiovascular phenotype. Identifiers: MedGen CN230736.
Dystrophin deficiency.
Cardiomyopathy (CMYO). Also called: Cardiomyopathies. Identifiers: Orphanet 167848, MedGen C0878544, MONDO:0004994, HP:0001638. Inheritance: Various modes of inheritance.
Becker muscular dystrophy (BMD). Also called: Becker Muscular Dystrophy (BMD); MUSCULAR DYSTROPHY, PSEUDOHYPERTROPHIC PROGRESSIVE, BECKER TYPE. Identifiers: Orphanet 98895, MedGen C0917713, MONDO:0010311, OMIM 300376.
Duchenne muscular dystrophy (DMD). Also called: Duchenne Muscular Dystrophy (DMD); MUSCULAR DYSTROPHY, PSEUDOHYPERTROPHIC PROGRESSIVE, DUCHENNE TYPE. Identifiers: Orphanet 98896, MedGen C0013264, MONDO:0010679, OMIM 310200.

Allele frequency attached by ClinVar (database versions not stated): gnomAD 0.00001; TOPMed 0.00003.
gnomAD v4.1: 6 of 1,135,467 alleles (0.00053%); highest among the groups gnomAD compares: South Asian, 0.0092%; no homozygotes.

Submissions (4):

Labcorp Genetics (formerly Invitae), Labcorp
Classification: Likely benign for Duchenne muscular dystrophy. Last evaluated: 2025-12-15. Review status: criteria provided, single submitter. Criteria: Invitae Variant Classification Sherloc (09022015). Collection method: clinical testing. Allele origin: germline.

Ambry Genetics
Classification: Uncertain significance for Cardiovascular phenotype. Last evaluated: 2025-11-04. Review status: criteria provided, single submitter. Criteria: Ambry Variant Classification Scheme 2023. Collection method: clinical testing. Allele origin: germline.
Comment: The p.V1095L variant (also known as c.3283G>C), located in coding exon 25 of the DMD gene, results from a G to C substitution at nucleotide position 3283. The valine at codon 1095 is replaced by leucine, an amino acid with highly similar properties. This variant has been detected in a Duchenne and Becker muscular dystrophy cohort; however, details were limited (Kohli S et al. Indian J Pediatr, 2020 Jul;87:495-504). Based on data from gnomAD, the C allele has an overall frequency of 0.0025% (3/119253) total alleles studied, with 1 hemizygote(s) observed. The highest observed frequency was 0.0188% (2/10642) of South Asian alleles. This amino acid position is highly conserved in available vertebrate species. In addition, this alteration is predicted to be tolerated by in silico analysis. Since supporting evidence is conflicting at this time, the clinical significance of this alteration remains unclear.

GeneDx
Classification: Likely benign. Last evaluated: 2020-10-19. Review status: criteria provided, single submitter. Criteria: GeneDx Variant Classification Process June 2021. Collection method: clinical testing. Allele origin: germline. Affected: yes.

Natera, Inc.
Classification: Likely benign for Becker muscular dystrophy; Cardiomyopathy; Duchenne muscular dystrophy; Dystrophin deficiency. Last evaluated: 2020-10-30. Review status: no assertion criteria provided. Collection method: clinical testing. Allele origin: germline. Not counted in ClinVar's aggregate classification.

Literature cited by the submitters: PubMed 32358784 (cited by Ambry Genetics).

NM_004006.3(DMD):c.3283G>C (p.Val1095Leu)

Gene: DMD (dystrophin; minus strand). Cytogenetic location: Xp21.1.
Variant type: single nucleotide variant.
Coding change: c.3283G>C on transcript NM_004006.3 (MANE Select); coding-DNA position 3283, G replaced by C.
Protein change: p.Val1095Leu; replaces valine 1095 with leucine.
Molecular consequence: missense variant.
Genome position (GRCh38, 1-based): chrX:32,463,588, C>G on the plus strand (G>C on the coding strand, the complement: DMD is on the minus strand). VCF-style: chrX-32463588-C-G. GRCh37 (hg19) VCF-style: chrX-32481705-C-G.
Other names: c.3259G>C, p.Val1087Leu (NM_000109.4); c.3271G>C, p.Val1091Leu (NM_004009.3); c.2914G>C, p.Val972Leu (NM_004010.3); short protein forms V1095L, V972L, V1087L, V1091L.
Identifiers: ClinVar variation 514651 (VCV000514651.11), dbSNP rs183819382, ClinGen allele CA10379308.